The following is an entry in ClinVar:

NM_001009944.3(PKD1):c.7926dup (p.Arg2643fs)

Gene: PKD1 (polycystin 1, transient receptor potential channel interacting; minus strand). Cytogenetic location: 16p13.3.
Variant type: Duplication.
Coding change: c.7926dup on transcript NM_001009944.3 (MANE Select); coding-DNA position 7926, one base duplicated (A; older notation c.7926dupA).
Protein change: p.Arg2643fs; shifts the reading frame from arginine 2643.
Molecular consequence: frameshift variant.
Genome position (GRCh38, 1-based): chr16:2,105,412, T duplicated on the plus strand (A on the coding strand, the reverse complement: PKD1 is on the minus strand). VCF-style (leftmost placement, unchanged base first): chr16-2105411-G-GT. GRCh37 (hg19) VCF-style: chr16-2155412-G-GT.
Other names: c.7926dup, p.Arg2643fs (NM_000296.4); short protein forms R2643fs.
Identifiers: ClinVar variation 4854587 (VCV004854587.2).

ClinVar aggregate classification (germline): Pathogenic. Review status: criteria provided, multiple submitters, no conflicts (2 of 4 stars). 2 submissions from 2 submitters: Pathogenic (2). Last evaluated 2025-12-04.

Conditions:
PKD1-related disorder. Also called: PKD1-related condition.
Polycystic kidney disease, adult type (PKD1). Also called: Polycystic Kidney, Autosomal Dominant; POLYCYSTIC KIDNEY DISEASE, ADULT, TYPE I; Polycystic Kidney Disease 1, Autosomal Dominant; Polycystic kidney disease 1; Polycystic kidney disease 1, severe; POLYCYSTIC KIDNEY DISEASE 1 WITH OR WITHOUT POLYCYSTIC LIVER DISEASE. Identifiers: MedGen C3149841, MONDO:0008263, OMIM 173900.

Submissions (2):

3billion
Classification: Pathogenic for Polycystic kidney disease, adult type. Last evaluated: 2025-12-04. Review status: criteria provided, single submitter. Criteria: ACMG Guidelines, 2015. Collection method: clinical testing. Allele origin: germline. Affected: yes.
Comment: The variant is not observed in the gnomAD v4.1.0 dataset. Predicted Consequence/Location: Frameshift: predicted to result in a loss or disruption of normal protein function through nonsense-mediated decay (NMD) or protein truncation. Multiple pathogenic variants are reported downstream of the variant. The variant has been reported to be associated with PKD1-related disorder (PMID: 29633482). Therefore, this variant is classified as Pathogenic according to the recommendation of ACMG/AMP guideline.

Blueprint Genetics
Classification: Pathogenic for PKD1-related disorders. Last evaluated: 2020-07-22. Review status: criteria provided, single submitter. Criteria: ACMG Guidelines, 2015. Collection method: clinical testing. Allele origin: germline. Affected: yes. Observed: 1 variant allele.

Literature cited by the submitters: PubMed 29633482 (cited by 3billion).